The following is an entry in ClinVar:

NM_024753.5(TTC21B):c.553-5A>C

Genes: TTC21B (tetratricopeptide repeat domain 21B; minus strand), TTC21B-AS1 (TTC21B antisense RNA 1; plus strand). Cytogenetic location: 2q24.3.
Variant type: single nucleotide variant.
Coding change: c.553-5A>C on transcript NM_024753.5 (MANE Select); 5 bases into the intron before coding-DNA position 553, A replaced by C.
Molecular consequence: intron variant.
Genome position (GRCh38, 1-based): chr2:165,941,189, T>G on the plus strand (A>C on the coding strand, the complement: TTC21B is on the minus strand). VCF-style: chr2-165941189-T-G. GRCh37 (hg19) VCF-style: chr2-166797699-T-G.
Identifiers: ClinVar variation 699038 (VCV000699038.14), dbSNP rs544620018, ClinGen allele CA1942396.

ClinVar aggregate classification (germline): Likely benign. Review status: criteria provided, multiple submitters, no conflicts (2 of 4 stars). 5 submissions from 5 submitters: Likely benign (4). 1 of the submissions does not count toward it. Last evaluated 2026-01-19.

Conditions:
TTC21B-related disorder. Also called: TTC21B-related condition; TTC21B-related disorders.
Jeune thoracic dystrophy. Also called: Short-rib thoracic dysplasia; Jeune syndrome; Infantile thoracic dystrophy; Thoracic pelvic phalangeal dystrophy; Jeune's syndrome; Chondroectodermal dysplasia-like syndrome. Identifiers: Orphanet 474, MedGen C0265275, MONDO:0018770.
Nephronophthisis. Also called: Juvenile Nephronophthisis. Identifiers: Orphanet 655, MedGen C0687120, MONDO:0019005, HP:0000090.

Allele frequency attached by ClinVar (database versions not stated): ExAC 0.00003; 1000 Genomes Project 30x 0.00016; gnomAD exomes 0.00018; 1000 Genomes Project 0.00020; TOPMed 0.00034; gnomAD 0.00049 and 0.00051.
gnomAD v4.1: 129 of 1,613,818 alleles (0.008%); highest among the groups gnomAD compares: Admixed American, 0.21%; no homozygotes.

Submissions (5):

Labcorp Genetics (formerly Invitae), Labcorp
Classification: Likely benign for Jeune thoracic dystrophy; Nephronophthisis. Last evaluated: 2026-01-19. Review status: criteria provided, single submitter. Criteria: Invitae Variant Classification Sherloc (09022015). Collection method: clinical testing. Allele origin: germline.

ARUP Laboratories, Molecular Genetics and Genomics, ARUP Laboratories
Classification: Likely benign. Last evaluated: 2024-10-21. Review status: criteria provided, single submitter. Criteria: ARUP Molecular Germline Variant Investigation Process 2024. Collection method: clinical testing. Allele origin: germline.

Blueprint Genetics
Classification: Likely benign. Last evaluated: 2024-10-15. Review status: criteria provided, single submitter. Criteria: ACMG Guidelines, 2015. Collection method: clinical testing. Allele origin: germline.

GeneDx
Classification: Likely benign. Last evaluated: 2021-04-27. Review status: criteria provided, single submitter. Criteria: GeneDx Variant Classification Process June 2021. Collection method: clinical testing. Allele origin: germline. Affected: yes.

PreventionGenetics, part of Exact Sciences
Classification: Likely benign for TTC21B-related condition. Last evaluated: 2024-07-29. Review status: no assertion criteria provided. Collection method: clinical testing. Allele origin: germline. Not counted in ClinVar's aggregate classification.
Comment: This variant is classified as likely benign based on ACMG/AMP sequence variant interpretation guidelines (Richards et al. 2015 PMID: 25741868, with internal and published modifications).